The following is an entry in ClinVar:

NM_000135.4(FANCA):c.3409-9C>G

Gene: FANCA (FA complementation group A; minus strand). Cytogenetic location: 16q24.3.
Variant type: single nucleotide variant.
Coding change: c.3409-9C>G on transcript NM_000135.4 (MANE Select); 9 bases into the intron before coding-DNA position 3409, C replaced by G.
Molecular consequence: intron variant.
Genome position (GRCh38, 1-based): chr16:89,746,697, G>C on the plus strand (C>G on the coding strand, the complement: FANCA is on the minus strand). VCF-style: chr16-89746697-G-C. GRCh37 (hg19) VCF-style: chr16-89813105-G-C.
Other names: c.3409-9C>G (NM_001286167.3, NM_000135.3).
Identifiers: ClinVar variation 1104933 (VCV001104933.16), dbSNP rs368943794, ClinGen allele CA8251162.

ClinVar aggregate classification (germline): Conflicting classifications of pathogenicity. Review status: criteria provided, conflicting classifications (1 of 4 stars). 5 submissions from 5 submitters: Uncertain significance (1); Likely benign (3). 1 of the submissions does not count toward it. Last evaluated 2025-06-12.

Conditions:
FANCA-related disorder. Also called: FANCA-related condition.
Fanconi anemia (FA). Also called: Fanconi's anemia. Identifiers: Orphanet 84, MedGen C0015625, MeSH D005199, MONDO:0019391.

Allele frequency attached by ClinVar (database versions not stated): ExAC 0.00003; gnomAD exomes 0.00004; gnomAD 0.00014 and 0.00016; TOPMed 0.00015; ESP Exome Variant Server 0.00038.

Submissions (5):

Labcorp Genetics (formerly Invitae), Labcorp
Classification: Likely benign for Fanconi anemia. Last evaluated: 2025-06-12. Review status: criteria provided, single submitter. Criteria: Invitae Variant Classification Sherloc (09022015). Collection method: clinical testing. Allele origin: germline.

Quest Diagnostics Nichols Institute San Juan Capistrano
Classification: Likely benign. Last evaluated: 2023-08-30. Review status: criteria provided, single submitter. Criteria: Quest Diagnostics criteria. Collection method: clinical testing. Allele origin: unknown.

Blueprint Genetics
Classification: Likely benign. Last evaluated: 2022-07-11. Review status: criteria provided, single submitter. Criteria: ACMG Guidelines, 2015. Collection method: clinical testing. Allele origin: germline.

Mayo Clinic Laboratories, Mayo Clinic
Classification: Uncertain significance. Last evaluated: 2021-09-14. Review status: criteria provided, single submitter. Criteria: ACMG Guidelines, 2015. Collection method: clinical testing. Allele origin: germline.

PreventionGenetics, part of Exact Sciences
Classification: Likely benign for FANCA-related condition. Last evaluated: 2019-12-09. Review status: no assertion criteria provided. Collection method: clinical testing. Allele origin: germline. Not counted in ClinVar's aggregate classification.
Comment: This variant is classified as likely benign based on ACMG/AMP sequence variant interpretation guidelines (Richards et al. 2015 PMID: 25741868, with internal and published modifications).